The following is an entry in ClinVar:

ClinVar aggregate classification (germline): Pathogenic/Likely pathogenic. Review status: criteria provided, multiple submitters, no conflicts (2 of 4 stars). 3 submissions from 3 submitters: Pathogenic (2); Likely pathogenic (1). Last evaluated 2025-02-04.

Conditions:
Nephrotic syndrome, type 3 (NPHS3). Also called: NEPHROTIC SYNDROME, EARLY-ONSET, TYPE 3. Identifiers: Orphanet 656, MedGen C1853124, MONDO:0012546, OMIM 610725.

Submissions (3):

CGC Genetics, Unilabs
Classification: Pathogenic for Nephrotic syndrome, type 3. Last evaluated: 2025-02-04. Review status: criteria provided, single submitter. Criteria: ACMG Guidelines, 2015. Collection method: clinical testing. Allele origin: unknown. Inheritance: Autosomal recessive inheritance. Affected: yes. Observed: 1 variant allele.
Comment: The variant NM_016341.4:c.3338_3339del p.(Lys1113Argfs*9), detected in a patient with probable homozygosity in exon 10 (of 33) of the PLCE1 gene (chr.10), has not been described in the literature or in the gnomAD population database at the time of this submission. It is a frameshift variant that introduces a premature stop codon, which in turn is predicted to lead to the creation of a truncated protein and/or a reduction in its expression due to mRNA degradation. With the information currently available, this should be classified as a pathogenic variant. ACMG codes: PVS1; PM2_supporting; PP3_supporting.

Labcorp Genetics (formerly Invitae), Labcorp
Classification: Pathogenic. Last evaluated: 2024-04-16. Review status: criteria provided, single submitter. Criteria: Invitae Variant Classification Sherloc (09022015). Collection method: clinical testing. Allele origin: germline.
Comment: This sequence change creates a premature translational stop signal (p.Lys1113Argfs*9) in the PLCE1 gene. It is expected to result in an absent or disrupted protein product. Loss-of-function variants in PLCE1 are known to be pathogenic (PMID: 17086182, 20591883). This variant is not present in population databases (gnomAD no frequency). This premature translational stop signal has been observed in individual(s) with PLCE1-related conditions (PMID: 18065803). This variant is also known as K1113fsX1121. ClinVar contains an entry for this variant (Variation ID: 1683684). For these reasons, this variant has been classified as Pathogenic.

Laboratorio de Genetica e Diagnostico Molecular, Hospital Israelita Albert Einstein
Classification: Likely pathogenic for Nephrotic syndrome, type 3. Last evaluated: 2021-07-06. Review status: criteria provided, single submitter. Criteria: ACMG Guidelines, 2015. Collection method: clinical testing. Allele origin: germline. Affected: yes.
Comment: ACMG classification criteria: PVS1 very strong, PM2 moderate

Literature cited by the submitters: PubMed 17086182 (cited by Labcorp Genetics (formerly Invitae), Labcorp); PubMed 20591883 (cited by Labcorp Genetics (formerly Invitae), Labcorp); PubMed 18065803 (cited by Labcorp Genetics (formerly Invitae), Labcorp).

NM_016341.4(PLCE1):c.3338_3339del (p.Lys1113fs)

Gene: PLCE1 (phospholipase C epsilon 1; plus strand). Cytogenetic location: 10q23.33.
Variant type: Deletion.
Coding change: c.3338_3339del on transcript NM_016341.4 (MANE Select); coding-DNA positions 3338 to 3339, 2 bases deleted (AA; older notation c.3338_3339delAA).
Protein change: p.Lys1113fs; shifts the reading frame from lysine 1113.
Molecular consequence: frameshift variant.
Genome position (GRCh38, 1-based): chr10:94,254,248-94,254,249, AA deleted; deleting any 2 consecutive bases within chr10:94,254,247-94,254,249 gives the same sequence; the c. name uses the placement nearest the transcript's 3' end. VCF-style (leftmost placement, unchanged base first): chr10-94254246-CAA-C. GRCh37 (hg19) VCF-style: chr10-96014003-CAA-C.
Other names: c.2414_2415del, p.Lys805fs (NM_001165979.2); c.3338_3339del, p.Lys1113fs (NM_001288989.2); short protein forms K1113fs, K805fs.
Identifiers: ClinVar variation 1683684 (VCV001683684.5), dbSNP rs918508213, ClinGen allele CA211617350.